The following is an entry in ClinVar:

NM_024642.5(GALNT12):c.154C>T (p.Pro52Ser)

Gene: GALNT12 (polypeptide N-acetylgalactosaminyltransferase 12; plus strand). Cytogenetic location: 9q22.33.
Variant type: single nucleotide variant.
Coding change: c.154C>T on transcript NM_024642.5 (MANE Select); coding-DNA position 154, C replaced by T.
Protein change: p.Pro52Ser; replaces proline 52 with serine.
Molecular consequence: missense variant.
Genome position (GRCh38, 1-based): chr9:98,807,852, C>T. VCF-style: chr9-98807852-C-T. GRCh37 (hg19) VCF-style: chr9-101570134-C-T.
Other names: short protein forms P52S.
Identifiers: ClinVar variation 864036 (VCV000864036.12), dbSNP rs980755584, ClinGen allele CA196833788.
Genomic context (GRCh38, chr9:98,807,852, plus strand): 5'-GGGCTGGGCTCGGTGCTGCGGGCGCAGCGTGGGGCCGGGGCCGGGGCTGCCGAGCCGGGA[C>T]CCCCGCGCACCCCGCGCCCCGGGCGGCGCGAGCCGGTCATGCCGCGGCCGCCGGTGCCGG-3'
Protein context (NP_078918.3, residues 42-62): GAGAGAAEPG[Pro52Ser]PRTPRPGRRE

ClinVar aggregate classification (germline): Conflicting classifications of pathogenicity. Review status: criteria provided, conflicting classifications (1 of 4 stars). 2 submissions from 2 submitters: Uncertain significance (1); Likely benign (1). Last evaluated 2024-03-26.

Allele frequency attached by ClinVar (database versions not stated): TOPMed 0.00001.

Submissions (2):

Ambry Genetics
Classification: Likely benign. Last evaluated: 2024-03-26. Review status: criteria provided, single submitter. Criteria: Ambry Variant Classification Scheme 2023. Collection method: clinical testing. Allele origin: germline.

Labcorp Genetics (formerly Invitae), Labcorp
Classification: Uncertain significance. Last evaluated: 2019-02-28. Review status: criteria provided, single submitter. Criteria: Invitae Variant Classification Sherloc (09022015). Collection method: clinical testing. Allele origin: germline.
Comment: In summary, the available evidence is currently insufficient to determine the role of this variant in disease. Therefore, it has been classified as a Variant of Uncertain Significance. This variant has not been reported in the literature in individuals with GALNT12-related conditions. The frequency data for this variant in the population databases is considered unreliable, as metrics indicate insufficient coverage at this position in the ExAC database. This sequence change replaces proline with serine at codon 52 of the GALNT12 protein (p.Pro52Ser). The proline residue is weakly conserved and there is a moderate physicochemical difference between proline and serine.